The following is an entry in ClinVar:

ClinVar aggregate classification (germline): Benign (3 of 4 stars; one submission).

Conditions:
Breast-ovarian cancer, familial, susceptibility to, 1 (BROVCA1). Also called: BRCA1 Hereditary Breast and Ovarian Cancer; OVARIAN CANCER, SUSCEPTIBILITY TO. Identifiers: Orphanet 145, MedGen C2676676, MONDO:0011450, OMIM 604370. Disease mechanism: loss of function.

Allele frequency attached by ClinVar (database versions not stated): 1000 Genomes Project 30x 0.00828; 1000 Genomes Project 0.00839; gnomAD 0.00982 and 0.01066; TOPMed 0.01091.
gnomAD v4.1: 1,376 of 140,654 alleles (0.98%); highest among the groups gnomAD compares: African/African-American, 3.2%; 15 homozygotes.

Submission:

Evidence-based Network for the Interpretation of Germline Mutant Alleles (ENIGMA)
Classification: Benign for Breast-ovarian cancer, familial 1. Last evaluated: 2015-01-12. Review status: reviewed by expert panel. Criteria: ENIGMA BRCA1/2 Classification Criteria (2015). Collection method: curation. Allele origin: germline.
Comment: Class 1 not pathogenic based on frequency >1% in an outbred sampleset. Frequency 0.04268 (African), derived from 1000 genomes (2012-04-30).

NM_007294.4(BRCA1):c.5277+853T>G

Gene: BRCA1 (BRCA1 DNA repair associated; minus strand). Cytogenetic location: 17q21.31.
Variant type: single nucleotide variant.
Coding change: c.5277+853T>G on transcript NM_007294.4 (MANE Select); 853 bases into the intron after coding-DNA position 5277, T replaced by G.
Molecular consequence: intron variant.
Genome position (GRCh38, 1-based): chr17:43,056,199, A>C on the plus strand (T>G on the coding strand, the complement: BRCA1 is on the minus strand). VCF-style: chr17-43056199-A-C. GRCh37 (hg19) VCF-style: chr17-41208216-A-C.
Other names: IVS 20+853T>G; c.1968+853T>G (NM_001407974.1, NM_001407973.1, NM_001407975.1 and 3 more transcripts); c.2670+853T>G (NM_001407969.1); c.2673+853T>G (NM_001407968.1); c.5271+853T>G (NM_001407640.1, NM_001407631.1, NM_001407638.1 and 14 more transcripts); c.5274+853T>G (NM_001407626.1, NM_001407617.1, NM_001407622.1 and 17 more transcripts); c.5199+853T>G (NM_001407652.1, NM_001407653.1, NM_001407655.1 and 1 more transcripts); c.5277+853T>G (NM_001407854.1, NM_001407598.1, NM_001407596.1 and 7 more transcripts); and 73 more.
Identifiers: ClinVar variation 209285 (VCV000209285.2), dbSNP rs116703787, ClinGen allele CA276257.